The following is an entry in ClinVar:

NM_014918.5(CHSY1):c.1566G>A (p.Ser522=)

Gene: CHSY1 (chondroitin sulfate synthase 1; minus strand). Cytogenetic location: 15q26.3.
Variant type: single nucleotide variant.
Coding change: c.1566G>A on transcript NM_014918.5 (MANE Select); coding-DNA position 1566, G replaced by A.
Protein change: p.Ser522=; no amino-acid change (serine 522 retained).
Molecular consequence: synonymous variant.
Genome position (GRCh38, 1-based): chr15:101,178,231, C>T on the plus strand (G>A on the coding strand, the complement: CHSY1 is on the minus strand). VCF-style: chr15-101178231-C-T. GRCh37 (hg19) VCF-style: chr15-101718436-C-T.
Identifiers: ClinVar variation 786869 (VCV000786869.13), dbSNP rs74784454, ClinGen allele CA7762502.
Genomic context (GRCh38, chr15:101,178,231, plus strand): 5'-CCCAGACAAAGGAATCAGTATGTTTATCTTTTTATCTTTGGGTTCTTTGTGCTCACTCTT[C>T]GACCCAGGGAGCTGAAAGGGGACGAGCTTCTTCAGGGAGTTTGAGAGAAAGGACAAGGAT-3'
Protein context (NP_055733.2, residues 512-532): KKLVPFQLPG[Ser522=]KSEHKEPKDK

ClinVar aggregate classification (germline): Benign/Likely benign. Review status: criteria provided, multiple submitters, no conflicts (2 of 4 stars). 3 submissions from 3 submitters: Benign (2); Likely benign (1). Last evaluated 2026-02-01.

Conditions:
Temtamy preaxial brachydactyly syndrome (TPBS). Identifiers: Orphanet 363417, MedGen C1854466, MONDO:0011533, OMIM 605282.

Allele frequency attached by ClinVar (database versions not stated): gnomAD exomes 0.00118 and 0.00203; ExAC 0.00251; gnomAD 0.00700 and 0.00742; 1000 Genomes Project 0.00719; TOPMed 0.00763; 1000 Genomes Project 30x 0.00781; ESP Exome Variant Server 0.00784.
gnomAD v4.1: 2,867 of 1,614,190 alleles (0.18%); highest among the groups gnomAD compares: African/African-American, 2.2%; 23 homozygotes.

Submissions (3):

Labcorp Genetics (formerly Invitae), Labcorp
Classification: Benign for Temtamy preaxial brachydactyly syndrome. Last evaluated: 2026-02-01. Review status: criteria provided, single submitter. Criteria: Invitae Variant Classification Sherloc (09022015). Collection method: clinical testing. Allele origin: germline.

GeneDx
Classification: Likely benign. Last evaluated: 2022-02-13. Review status: criteria provided, single submitter. Criteria: GeneDx Variant Classification Process June 2021. Collection method: clinical testing. Allele origin: germline. Affected: yes.
Comment: See Variant Classification Assertion Criteria.

Breakthrough Genomics
Classification: Benign. Review status: criteria provided, single submitter. Criteria: ACMG Guidelines, 2015. Collection method: not provided. Allele origin: germline. Inheritance: Autosomal recessive inheritance. Affected: yes.